The following is an entry in ClinVar:

ClinVar aggregate classification (germline): Pathogenic (1 of 4 stars; one submission).

Conditions:
Combined deficiency of sialidase AND beta galactosidase (GSL). Also called: PPCA DEFICIENCY; PROTECTIVE PROTEIN/CATHEPSIN A DEFICIENCY; Galactosialidosis; CATHEPSIN A DEFICIENCY; GOLDBERG SYNDROME; NEURAMINIDASE DEFICIENCY WITH BETA-GALACTOSIDASE DEFICIENCY. Identifiers: Orphanet 351, MedGen C0268233, MONDO:0009737, OMIM 256540.

Submission:

Labcorp Genetics (formerly Invitae), Labcorp
Classification: Pathogenic for Combined deficiency of sialidase AND beta galactosidase. Last evaluated: 2026-01-06. Review status: criteria provided, single submitter. Criteria: Invitae Variant Classification Sherloc (09022015). Collection method: clinical testing. Allele origin: germline.
Comment: This sequence change creates a premature translational stop signal (p.Tyr413*) in the CTSA gene. It is expected to result in an absent or disrupted protein product. Loss-of-function variants in CTSA are known to be pathogenic (PMID: 15110321, 23915561). This variant is not present in population databases (gnomAD no frequency). This variant has not been reported in the literature in individuals affected with CTSA-related conditions. For these reasons, this variant has been classified as Pathogenic.

Literature cited by the submitters: PubMed 15110321; PubMed 23915561.

NM_000308.4(CTSA):c.1185_1186del (p.Tyr395_Asn396delinsTer)

Gene: CTSA (cathepsin A; plus strand). Cytogenetic location: 20q13.12.
Variant type: Microsatellite.
Coding change: c.1185_1186del on transcript NM_000308.4 (MANE Select); coding-DNA positions 1185 to 1186, 2 bases deleted (TA; older notation c.1185_1186delTA).
Protein change: p.Tyr395_Asn396delinsTer.
Molecular consequence: nonsense. On other transcripts: non-coding transcript variant (1).
Genome position (GRCh38, 1-based): chr20:45,897,737-45,897,738, TA deleted; deleting any 2 consecutive bases within chr20:45,897,733-45,897,738 gives the same sequence; the c. name uses the placement nearest the transcript's 3' end. VCF-style (leftmost placement, unchanged base first): chr20-45897732-TTA-T. GRCh37 (hg19) VCF-style: chr20-44526371-TTA-T.
Other names: c.1185_1186del, p.Tyr395_Asn396delinsTer (NM_001127695.3); c.1134_1135del, p.Tyr378_Asn379delinsTer (NM_001167594.3).
Identifiers: ClinVar variation 4734808 (VCV004734808.1).